The following is an entry in ClinVar:

ClinVar aggregate classification (germline): Uncertain significance (1 of 4 stars; one submission).

gnomAD v4.1: 7 of 1,613,366 alleles (0.00043%); highest among the groups gnomAD compares: East Asian, 0.0022%; no homozygotes.

Submission:

Labcorp Genetics (formerly Invitae), Labcorp
Classification: Uncertain significance. Last evaluated: 2022-07-06. Review status: criteria provided, single submitter. Criteria: Invitae Variant Classification Sherloc (09022015). Collection method: clinical testing. Allele origin: germline.
Comment: In summary, the available evidence is currently insufficient to determine the role of this variant in disease. Therefore, it has been classified as a Variant of Uncertain Significance. Algorithms developed to predict the effect of sequence changes on RNA splicing suggest that this variant may create or strengthen a splice site. Algorithms developed to predict the effect of missense changes on protein structure and function (SIFT, PolyPhen-2, Align-GVGD) all suggest that this variant is likely to be tolerated. ClinVar contains an entry for this variant (Variation ID: 1348678). This variant has not been reported in the literature in individuals affected with VPS33A-related conditions. This variant is not present in population databases (gnomAD no frequency). This sequence change replaces isoleucine, which is neutral and non-polar, with valine, which is neutral and non-polar, at codon 79 of the VPS33A protein (p.Ile79Val).

NM_022916.6(VPS33A):c.235A>G (p.Ile79Val)

Gene: VPS33A (VPS33A core subunit of CORVET and HOPS complexes; minus strand). Cytogenetic location: 12q24.31.
Variant type: single nucleotide variant.
Coding change: c.235A>G on transcript NM_022916.6 (MANE Select); coding-DNA position 235, A replaced by G.
Protein change: p.Ile79Val; replaces isoleucine 79 with valine.
Molecular consequence: missense variant.
Genome position (GRCh38, 1-based): chr12:122,263,633, T>C on the plus strand (A>G on the coding strand, the complement: VPS33A is on the minus strand). VCF-style: chr12-122263633-T-C. GRCh37 (hg19) VCF-style: chr12-122748180-T-C.
Other names: c.202A>G, p.Ile68Val (NM_001351018.2); c.187A>G, p.Ile63Val (NM_001351019.2); c.235A>G, p.Ile79Val (NM_001351020.2, NM_001351021.2); short protein forms I63V, I79V, I68V.
Identifiers: ClinVar variation 1348678 (VCV001348678.6), dbSNP rs763166511, ClinGen allele CA387025539.